The following is an entry in ClinVar:

ClinVar aggregate classification (germline): Pathogenic. Review status: criteria provided, multiple submitters, no conflicts (2 of 4 stars). 3 submissions from 3 submitters: Pathogenic (3). Last evaluated 2023-10-29.

Conditions:
Inborn genetic diseases. Identifiers: MedGen C0950123, MeSH D030342.
Bilateral parasagittal parieto-occipital polymicrogyria. Also called: Polymicrogyria, bilateral temporooccipital. Identifiers: Orphanet 208441, MedGen C4013648, MONDO:0012986, OMIM 612691.
Charcot-Marie-Tooth disease type 4. Also called: Charcot-Marie-Tooth disease, type IV; Charcot-Marie-Tooth, Type 4. Identifiers: Orphanet 64749, MedGen C4082197, MONDO:0018995.

Allele frequency attached by ClinVar (database versions not stated): ExAC 0.00001; gnomAD exomes 0.00001.

Submissions (3):

Labcorp Genetics (formerly Invitae), Labcorp
Classification: Pathogenic for Charcot-Marie-Tooth disease type 4. Last evaluated: 2023-10-29. Review status: criteria provided, single submitter. Criteria: Invitae Variant Classification Sherloc (09022015). Collection method: clinical testing. Allele origin: germline.
Comment: This sequence change creates a premature translational stop signal (p.Pro605Glufs*45) in the FIG4 gene. It is expected to result in an absent or disrupted protein product. Loss-of-function variants in FIG4 are known to be pathogenic (PMID: 23623387, 30740813). This variant is present in population databases (rs775015373, gnomAD 0.004%). This variant has not been reported in the literature in individuals affected with FIG4-related conditions. ClinVar contains an entry for this variant (Variation ID: 1940123). For these reasons, this variant has been classified as Pathogenic.

3billion
Classification: Pathogenic for Bilateral parasagittal parieto-occipital polymicrogyria. Last evaluated: 2023-10-17. Review status: criteria provided, single submitter. Criteria: ACMG Guidelines, 2015. Collection method: clinical testing. Allele origin: germline. Affected: yes.
Comment: The variant is observed at an extremely low frequency in the gnomAD v2.1.1 dataset (total allele frequency: 0.002%). Predicted Consequence/Location: Frameshift: predicted to result in a loss or disruption of normal protein function through nonsense-mediated decay (NMD) or protein truncation. Multiple pathogenic variants are reported downstream of the variant. The variant has been reported at least twice as pathogenic without evidence for the classification (ClinVar ID: VCV001940123). Therefore, this variant is classified as Pathogenic according to the recommendation of ACMG/AMP guideline.

Ambry Genetics
Classification: Pathogenic for Inborn genetic diseases. Last evaluated: 2022-11-02. Review status: criteria provided, single submitter. Criteria: Ambry Variant Classification Scheme 2023. Collection method: clinical testing. Allele origin: germline.
Comment: The c.1808_1811dupGGAA (p.P605Efs*45) alteration, located in exon 16 (coding exon 16) of the FIG4 gene, consists of a duplication of GGAA at position 1808, causing a translational frameshift with a predicted alternate stop codon after 45 amino acids. This alteration is expected to result in loss of function by premature protein truncation or nonsense-mediated mRNA decay. Based on data from gnomAD, the GGAAGGAA allele has an overall frequency of 0.002% (4/251304) total alleles studied. The highest observed frequency was 0.004% (4/113650) of European (non-Finnish) alleles. Based on the available evidence, this alteration is classified as pathogenic.

Literature cited by the submitters: PubMed 23623387 (cited by Labcorp Genetics (formerly Invitae), Labcorp); PubMed 30740813 (cited by Labcorp Genetics (formerly Invitae), Labcorp); PubMed 30552426 (cited by Ambry Genetics).

NM_014845.6(FIG4):c.1808_1811dup (p.Pro605fs)

Gene: FIG4 (FIG4 phosphoinositide 5-phosphatase; plus strand). Cytogenetic location: 6q21.
Variant type: Duplication.
Coding change: c.1808_1811dup on transcript NM_014845.6 (MANE Select); coding-DNA positions 1808 to 1811, 4 bases duplicated (GGAA; older notation c.1808_1811dupGGAA).
Protein change: p.Pro605fs; shifts the reading frame from proline 605.
Molecular consequence: frameshift variant.
Genome position (GRCh38, 1-based): chr6:109,776,979-109,776,982, GGAA duplicated. VCF-style (leftmost placement, unchanged base first): chr6-109776978-G-GGGAA. GRCh37 (hg19) VCF-style: chr6-110098181-G-GGGAA.
Other names: c.1808_1811dupGGAA (NM_014845.5); short protein forms P605fs.
Identifiers: ClinVar variation 1940123 (VCV001940123.7), dbSNP rs775015373, ClinGen allele CA3956184.